The following is an entry in ClinVar:

ClinVar aggregate classification (germline): Uncertain significance (1 of 4 stars; one submission).

Submission:

Women's Health and Genetics/Laboratory Corporation of America, LabCorp
Classification: Uncertain significance. Last evaluated: 2025-05-16. Review status: criteria provided, single submitter. Criteria: LabCorp Variant Classification Summary - May 2015. Collection method: clinical testing. Allele origin: germline.
Comment: Variant summary: H4C11 c.107G>A (p.Arg36Gln) results in a conservative amino acid change in the encoded protein sequence. Algorithms developed to predict the effect of missense changes on protein structure and function are either unavailable or do not agree on the potential impact of this missense change. The variant was absent in 1568986 control chromosomes. The available data on variant occurrences in the general population are insufficient to allow any conclusion about variant significance. To our knowledge, no occurrence of c.107G>A in individuals affected with Tessadori-Van Haaften Neurodevelopmental Syndrome 2 and no experimental evidence demonstrating its impact on protein function have been reported. No submitters have cited clinical-significance assessments for this variant to ClinVar. Based on the evidence outlined above, the variant was classified as uncertain significance.

NM_021968.4(H4C11):c.107G>A (p.Arg36Gln)

Gene: H4C11 (H4 clustered histone 11; plus strand). Cytogenetic location: 6p22.1.
Variant type: single nucleotide variant.
Coding change: c.107G>A on transcript NM_021968.4 (MANE Select); coding-DNA position 107, G replaced by A.
Protein change: p.Arg36Gln; replaces arginine 36 with glutamine.
Molecular consequence: missense variant.
Genome position (GRCh38, 1-based): chr6:27,824,231, G>A. VCF-style: chr6-27824231-G-A. GRCh37 (hg19) VCF-style: chr6-27792009-G-A.
Other names: short protein forms R36Q.
Identifiers: ClinVar variation 3902160 (VCV003902160.1).
Genomic context (GRCh38, chr6:27,824,231, plus strand): 5'-CTAAGCGCCACCGTAAAGTACTGCGCGACAATATCCAGGGCATCACCAAGCCGGCCATCC[G>A]GCGCCTTGCTCGCCGCGGCGGCGTGAAGCGCATCTCCGGCCTCATCTACGAGGAGACTCG-3'
Protein context (NP_068803.1, residues 26-46): NIQGITKPAI[Arg36Gln]RLARRGGVKR